The following is an entry in ClinVar:

ClinVar aggregate classification (germline): Pathogenic (1 of 4 stars; one submission).

Submission:

Labcorp Genetics (formerly Invitae), Labcorp
Classification: Pathogenic. Last evaluated: 2022-02-28. Review status: criteria provided, single submitter. Criteria: Invitae Variant Classification Sherloc (09022015). Collection method: clinical testing. Allele origin: germline.
Comment: For these reasons, this variant has been classified as Pathogenic. Algorithms developed to predict the effect of sequence changes on RNA splicing suggest that this variant may disrupt the consensus splice site. This variant has not been reported in the literature in individuals affected with COL27A1-related conditions. This variant is not present in population databases (gnomAD no frequency). This sequence change creates a premature translational stop signal (p.Gly1048Aspfs*8) in the COL27A1 gene. It is expected to result in an absent or disrupted protein product. Loss-of-function variants in COL27A1 are known to be pathogenic (PMID: 24986830, 28276056).

Literature cited by the submitters: PubMed 24986830; PubMed 28276056.

NC_000009.12:g.114258542_114258551del

Gene: COL27A1 (collagen type XXVII alpha 1 chain; plus strand). Cytogenetic location: 9q32.
Variant type: Deletion.
Genome position: GRCh38 VCF-style: chr9-114258536-CCCAGGGTCCT-C. GRCh37 (hg19) VCF-style: chr9-117020816-CCCAGGGTCCT-C.
Identifiers: ClinVar variation 2104255 (VCV002104255.5), ClinGen allele CA2580079440.